The following is an entry in ClinVar:

NM_000169.3(GLA):c.862G>C (p.Ala288Pro)

Genes: GLA (galactosidase alpha; minus strand), RPL36A-HNRNPH2 (RPL36A-HNRNPH2 readthrough; plus strand). Cytogenetic location: Xq22.1.
Variant type: single nucleotide variant.
Coding change: c.862G>C on transcript NM_000169.3 (MANE Select); coding-DNA position 862, G replaced by C.
Protein change: p.Ala288Pro; replaces alanine 288 with proline.
Molecular consequence: missense variant. On other transcripts: non-coding transcript variant (3), intron variant (2).
Genome position (GRCh38, 1-based): chrX:101,398,507, C>G on the plus strand (G>C on the coding strand, the complement: GLA is on the minus strand). VCF-style: chrX-101398507-C-G. GRCh37 (hg19) VCF-style: chrX-100653495-C-G.
Other names: c.985G>C, p.Ala329Pro (NM_001406747.1); c.862G>C, p.Ala288Pro (NM_001406748.1); c.300+3050C>G (NM_001199973.2); c.177+6685C>G (NM_001199974.2); short protein forms A288P, A329P.
Identifiers: ClinVar variation 4087558 (VCV004087558.2), dbSNP rs869312436.

ClinVar aggregate classification (germline): Likely pathogenic (1 of 4 stars; one submission).

Conditions:
Fabry disease. Also called: ALPHA-GALACTOSIDASE A DEFICIENCY; ANDERSON-FABRY DISEASE; CERAMIDE TRIHEXOSIDASE DEFICIENCY; GLA DEFICIENCY; HEREDITARY DYSTOPIC LIPIDOSIS; Angiokeratoma corporis diffusum. Identifiers: Orphanet 324, MedGen C0002986, MONDO:0010526, OMIM 301500, HP:0001071. Disease mechanism: Fabry disease is due to inactivating mutations in the X-linked GLA gene resulting in deficiency of the enzyme Alpha Galactosidase-A., loss of function.

Submission:

Genomenon, Inc
Classification: Likely pathogenic for Fabry disease. Last evaluated: 2026-09-08. Review status: criteria provided, single submitter. Criteria: Genomenon Sequence Variant Interpretation Standards - Updated. Collection method: curation. Allele origin: germline. Affected: yes.
Comment: GLA p.Ala288Pro (c.862G>C) is a missense variant that changes the amino acid at codon 288 from Alanine to Proline. This variant has been observed in at least one proband with clinical features consistent with Fabry disease (PMID:12175777). At least one functional study has demonstrated a substantial alteration in protein function relative to the wild-type (PMID:21598360;27657681). It is absent or not present at a significant frequency in gnomAD. In silico models predict that this variant is possibly or probably damaging. In conclusion, we classify GLA p.Ala288Pro (c.862G>C) as a likely pathogenic variant.

Literature cited by the submitters: PubMed 12175777; PubMed 21598360; PubMed 27657681.